The following is an entry in ClinVar:

NM_000155.4(GALT):c.510C>A (p.Ile170=)

Gene: GALT (galactose-1-phosphate uridylyltransferase; plus strand). Cytogenetic location: 9p13.3.
Variant type: single nucleotide variant.
Coding change: c.510C>A on transcript NM_000155.4 (MANE Select); coding-DNA position 510, C replaced by A.
Protein change: p.Ile170=; no amino-acid change (isoleucine 170 retained).
Molecular consequence: synonymous variant.
Genome position (GRCh38, 1-based): chr9:34,648,117, C>A. VCF-style: chr9-34648117-C-A. GRCh37 (hg19) VCF-style: chr9-34648114-C-A.
Other names: p.Ile170=; c.183C>A, p.Ile61= (NM_001258332.2); c.510C>A (NM_000155.2).
Identifiers: ClinVar variation 281074 (VCV000281074.62), dbSNP rs61735984, ClinGen allele CA5036151.

ClinVar aggregate classification (germline): Conflicting classifications of pathogenicity. Review status: criteria provided, conflicting classifications (1 of 4 stars). 9 submissions from 9 submitters: Uncertain significance (1); Benign (3); Likely benign (2). 3 of the submissions do not count toward it. Last evaluated 2026-03-01.

Conditions:
Galactosemia. Also called: Galactose intolerance. Identifiers: Orphanet 352, MedGen C0016952, MONDO:0018116, HP:0004919. Disease mechanism: loss of function.
Deficiency of UDPglucose-hexose-1-phosphate uridylyltransferase. Also called: GALACTOSEMIA I; GALACTOSE-1-PHOSPHATE URIDYLYLTRANSFERASE DEFICIENCY; GALT deficiency; Galactosemia, classic; Transferase Deficiency Galactosemia. Identifiers: Orphanet 352, Orphanet 79239, MedGen C0268151, MONDO:0009258, OMIM 230400.

Allele frequency attached by ClinVar (database versions not stated): 1000 Genomes Project 30x 0.00031; 1000 Genomes Project 0.00040; TOPMed 0.00195; gnomAD 0.00283 and 0.00290; gnomAD exomes 0.00295 and 0.00326; ExAC 0.00308; ESP Exome Variant Server 0.00384.
gnomAD v4.1: 5,151 of 1,614,188 alleles (0.32%); highest among the groups gnomAD compares: Non-Finnish European, 0.35%; 14 homozygotes.

Submissions (9):

CeGaT Center for Human Genetics Tuebingen
Classification: Likely benign. Last evaluated: 2026-03-01. Review status: criteria provided, single submitter. Criteria: CeGaT Center For Human Genetics Tuebingen Variant Classification Criteria Version 2. Collection method: clinical testing. Allele origin: germline. Affected: yes. Observed: 11 variant alleles.
Comment: GALT: BP4, BP7, BS2

Labcorp Genetics (formerly Invitae), Labcorp
Classification: Benign for Deficiency of UDPglucose-hexose-1-phosphate uridylyltransferase. Last evaluated: 2026-02-04. Review status: criteria provided, single submitter. Criteria: Invitae Variant Classification Sherloc (09022015). Collection method: clinical testing. Allele origin: germline.

Mayo Clinic Laboratories, Mayo Clinic
Classification: Likely benign. Last evaluated: 2024-09-23. Review status: criteria provided, single submitter. Criteria: ACMG Guidelines, 2015. Collection method: clinical testing. Allele origin: germline. Observed: 2 variant alleles.
Comment: BS1, BS2, BP4, BP7

GeneDx
Classification: Benign. Last evaluated: 2020-05-29. Review status: criteria provided, single submitter. Criteria: GeneDx Variant Classification Process June 2021. Collection method: clinical testing. Allele origin: germline. Affected: yes.
Comment: This variant is associated with the following publications: (PMID: 27176039, 11919338)

Illumina Laboratory Services, Illumina
Classification: Uncertain significance for Deficiency of UDPglucose-hexose-1-phosphate uridylyltransferase. Last evaluated: 2018-01-13. Review status: criteria provided, single submitter. Criteria: ICSL Variant Classification Criteria 13 December 2019. Collection method: clinical testing. Allele origin: germline.

Eurofins Ntd Llc (ga)
Classification: Benign. Last evaluated: 2017-04-12. Review status: criteria provided, single submitter. Criteria: EGL Classification Definitions 2015. Collection method: clinical testing. Allele origin: germline. Observed: 4 variant alleles, 4 heterozygotes.

Natera, Inc.
Classification: Benign for Galactosemia. Last evaluated: 2020-05-30. Review status: no assertion criteria provided. Collection method: clinical testing. Allele origin: germline. Not counted in ClinVar's aggregate classification.

Clinical Genetics DNA and cytogenetics Diagnostics Lab, Erasmus MC, Erasmus Medical Center
Classification: Benign. Review status: no assertion criteria provided. Collection method: clinical testing. Allele origin: germline. Affected: yes. Study: VKGL Data-share Consensus. Not counted in ClinVar's aggregate classification.

Genome Diagnostics Laboratory, University Medical Center Utrecht
Classification: Benign. Review status: no assertion criteria provided. Collection method: clinical testing. Allele origin: germline. Affected: yes. Study: VKGL Data-share Consensus. Not counted in ClinVar's aggregate classification.